The following is an entry in ClinVar:

NM_000384.3(APOB):c.11195T>C (p.Ile3732Thr)

Gene: APOB (apolipoprotein B; minus strand). Cytogenetic location: 2p24.1.
Variant type: single nucleotide variant.
Coding change: c.11195T>C on transcript NM_000384.3 (MANE Select); coding-DNA position 11195, T replaced by C.
Protein change: p.Ile3732Thr; replaces isoleucine 3732 with threonine.
Molecular consequence: missense variant.
Genome position (GRCh38, 1-based): chr2:21,005,673, A>G on the plus strand (T>C on the coding strand, the complement: APOB is on the minus strand). VCF-style: chr2-21005673-A-G. GRCh37 (hg19) VCF-style: chr2-21228545-A-G.
Other names: short protein forms I3732T.
Identifiers: ClinVar variation 2929684 (VCV002929684.3), dbSNP rs1042025, ClinGen allele CA43492148.

ClinVar aggregate classification (germline): Uncertain significance (1 of 4 stars; one submission).

Conditions:
Hypercholesterolemia, autosomal dominant, type B (FHCL2). Also called: APOB-Related Familial Hypercholesterolemia, Autosomal Dominant; Familial Hypercholesterolemia Type B; APOLIPOPROTEIN B-100, FAMILIAL DEFECTIVE; APOLIPOPROTEIN B-100, FAMILIAL LIGAND-DEFECTIVE; HYPERCHOLESTEROLEMIA, FAMILIAL, DUE TO LIGAND-DEFECTIVE APOLIPOPROTEIN B; Hyperlipoproteinemia Type IIb. Identifiers: MedGen C1704417, MONDO:0007751, OMIM 144010.
Familial hypobetalipoproteinemia 1. Also called: Hypobetalipoproteinemia, normotriglyceridemic; Acanthocytosis with hypobetalipoproteinemia; APOB-Related Familial Hypobetalipoproteinemia. Identifiers: MedGen C4551990, MONDO:0014252, OMIM 615558.

Allele frequency attached by ClinVar (database versions not stated): TOPMed 0.00001.

Submission:

Labcorp Genetics (formerly Invitae), Labcorp
Classification: Uncertain significance for Familial hypobetalipoproteinemia 1; Hypercholesterolemia, autosomal dominant, type B. Last evaluated: 2024-01-11. Review status: criteria provided, single submitter. Criteria: Invitae Variant Classification Sherloc (09022015). Collection method: clinical testing. Allele origin: germline.
Comment: This sequence change replaces isoleucine, which is neutral and non-polar, with threonine, which is neutral and polar, at codon 3732 of the APOB protein (p.Ile3732Thr). This variant is not present in population databases (gnomAD no frequency). This variant has not been reported in the literature in individuals affected with APOB-related conditions. Advanced modeling of protein sequence and biophysical properties (such as structural, functional, and spatial information, amino acid conservation, physicochemical variation, residue mobility, and thermodynamic stability) performed at Invitae indicates that this missense variant is not expected to disrupt APOB protein function with a negative predictive value of 95%. In summary, the available evidence is currently insufficient to determine the role of this variant in disease. Therefore, it has been classified as a Variant of Uncertain Significance.